The following is an entry in ClinVar:

NM_001429.4(EP300):c.3624C>T (p.Ile1208=)

Gene: EP300 (EP300 lysine acetyltransferase; plus strand). Cytogenetic location: 22q13.2.
Variant type: single nucleotide variant.
Coding change: c.3624C>T on transcript NM_001429.4 (MANE Select); coding-DNA position 3624, C replaced by T.
Protein change: p.Ile1208=; no amino-acid change (isoleucine 1208 retained).
Molecular consequence: synonymous variant.
Genome position (GRCh38, 1-based): chr22:41,160,675, C>T. VCF-style: chr22-41160675-C-T. GRCh37 (hg19) VCF-style: chr22-41556679-C-T.
Other names: c.3546C>T, p.Ile1182= (NM_001362843.2); c.3624C>T (NM_001429.3).
Identifiers: ClinVar variation 1654319 (VCV001654319.12), dbSNP rs143660871, ClinGen allele CA10253169.
Genomic context (GRCh38, chr22:41,160,675, plus strand): 5'-ACCCCAGTATGGCCTTCTTGCCGACAGGTATCATTTCTGTGAGAAGTGTTTCAATGAGAT[C>T]CAAGGGGAGAGCGTTTCTTTGGGGGATGACCCTTCCCAGCCTCAAACGTAAGTAACTGCA-3'
Protein context (NP_001420.2, residues 1198-1218): YHFCEKCFNE[Ile1208=]QGESVSLGDD

ClinVar aggregate classification (germline): Likely benign. Review status: criteria provided, multiple submitters, no conflicts (2 of 4 stars). 3 submissions from 3 submitters: Likely benign (2). 1 of the submissions does not count toward it. Last evaluated 2025-12-26.

Conditions:
Rubinstein-Taybi syndrome due to EP300 haploinsufficiency. Also called: RUBINSTEIN-TAYBI SYNDROME 2; EP300-Related Rubinstein-Taybi Syndrome. Identifiers: Orphanet 353284, Orphanet 783, MedGen C3150941, MONDO:0013364, OMIM 613684.
EP300-related disorder. Also called: EP300-related condition; EP300-related disorders.

gnomAD v4.1: 48 of 1,613,922 alleles (0.003%); highest among the groups gnomAD compares: Non-Finnish European, 0.0036%; no homozygotes.

Submissions (3):

Labcorp Genetics (formerly Invitae), Labcorp
Classification: Likely benign for Rubinstein-Taybi syndrome due to EP300 haploinsufficiency. Last evaluated: 2025-12-26. Review status: criteria provided, single submitter. Criteria: Invitae Variant Classification Sherloc (09022015). Collection method: clinical testing. Allele origin: germline.

Blueprint Genetics
Classification: Likely benign. Last evaluated: 2023-07-07. Review status: criteria provided, single submitter. Criteria: ACMG Guidelines, 2015. Collection method: clinical testing. Allele origin: germline.

PreventionGenetics, part of Exact Sciences
Classification: Likely benign for EP300-related condition. Last evaluated: 2023-11-09. Review status: no assertion criteria provided. Collection method: clinical testing. Allele origin: germline. Not counted in ClinVar's aggregate classification.
Comment: This variant is classified as likely benign based on ACMG/AMP sequence variant interpretation guidelines (Richards et al. 2015 PMID: 25741868, with internal and published modifications).